The following is an entry in ClinVar:

ClinVar aggregate classification (germline): Uncertain significance. Review status: criteria provided, multiple submitters, no conflicts (2 of 4 stars). 3 submissions from 3 submitters: Uncertain significance (3). Last evaluated 2026-07-24.

Conditions:
Pierson syndrome. Also called: MICROCORIA-CONGENITAL NEPHROTIC SYNDROME. Identifiers: Orphanet 2670, MedGen C1836876, MONDO:0012184, OMIM 609049.
LAMB2-related infantile-onset nephrotic syndrome. Also called: NEPHROTIC SYNDROME, TYPE 5, WITHOUT OCULAR ABNORMALITIES; NEPHROTIC SYNDROME, TYPE 5, WITH OCULAR ABNORMALITIES; Nephrotic Syndrome, type 5. Identifiers: Orphanet 306507, MedGen C3280113, MONDO:0013621, OMIM 614199.
Nephrotic syndrome. Identifiers: MedGen C0027726, MONDO:0005377, HP:0000100.

Allele frequency attached by ClinVar (database versions not stated): gnomAD exomes 0.00002; TOPMed 0.00003; ExAC 0.00002; gnomAD 0.00005 and 0.00004.
gnomAD v4.1: 38 of 1,608,598 alleles (0.0024%); highest among the groups gnomAD compares: Middle Eastern, 0.016%; no homozygotes.

Submissions (3):

Molecular Genetics McLendon Clinical Laboratories, University of North Carolina at Chapel Hill
Classification: Uncertain significance for Nephrotic syndrome. Last evaluated: 2026-07-24. Review status: criteria provided, single submitter. Criteria: ACMG Guidelines, 2015. Collection method: clinical testing. Allele origin: germline.

Labcorp Genetics (formerly Invitae), Labcorp
Classification: Uncertain significance for LAMB2-related infantile-onset nephrotic syndrome; Pierson syndrome. Last evaluated: 2024-07-20. Review status: criteria provided, single submitter. Criteria: Invitae Variant Classification Sherloc (09022015). Collection method: clinical testing. Allele origin: germline.
Comment: This sequence change replaces alanine, which is neutral and non-polar, with valine, which is neutral and non-polar, at codon 1446 of the LAMB2 protein (p.Ala1446Val). This variant is present in population databases (rs757984116, gnomAD 0.004%). This variant has not been reported in the literature in individuals affected with LAMB2-related conditions. ClinVar contains an entry for this variant (Variation ID: 1041002). An algorithm developed to predict the effect of missense changes on protein structure and function outputs the following: PolyPhen-2: "Benign". The valine amino acid residue is found in multiple mammalian species, which suggests that this missense change does not adversely affect protein function. In summary, the available evidence is currently insufficient to determine the role of this variant in disease. Therefore, it has been classified as a Variant of Uncertain Significance.

Fulgent Genetics
Classification: Uncertain significance for Pierson syndrome; LAMB2-related infantile-onset nephrotic syndrome. Last evaluated: 2022-05-16. Review status: criteria provided, single submitter. Criteria: ACMG Guidelines, 2015. Collection method: clinical testing. Allele origin: unknown.

NM_002292.4(LAMB2):c.4337C>T (p.Ala1446Val)

Gene: LAMB2 (laminin subunit beta 2; minus strand). Cytogenetic location: 3p21.31.
Variant type: single nucleotide variant.
Coding change: c.4337C>T on transcript NM_002292.4 (MANE Select); coding-DNA position 4337, C replaced by T.
Protein change: p.Ala1446Val; replaces alanine 1446 with valine.
Molecular consequence: missense variant.
Genome position (GRCh38, 1-based): chr3:49,122,940, G>A on the plus strand (C>T on the coding strand, the complement: LAMB2 is on the minus strand). VCF-style: chr3-49122940-G-A. GRCh37 (hg19) VCF-style: chr3-49160373-G-A.
Other names: c.4337C>T (NM_002292.3); short protein forms A1446V.
Identifiers: ClinVar variation 1041002 (VCV001041002.7), dbSNP rs757984116, ClinGen allele CA2393810.